The following is an entry in ClinVar:

NM_001308093.3(GATA4):c.1231T>A (p.Tyr411Asn)

Gene: GATA4 (GATA binding protein 4). Cytogenetic location: 8p23.1.
Variant type: single nucleotide variant.
Coding change: c.1231T>A on transcript NM_001308093.3 (MANE Select); coding-DNA position 1231, T replaced by A.
Protein change: p.Tyr411Asn; replaces tyrosine 411 with asparagine.
Molecular consequence: missense variant.
Genome position (GRCh38, 1-based): chr8:11,758,374, T>A. VCF-style: chr8-11758374-T-A. GRCh37 (hg19) VCF-style: chr8-11615883-T-A.
Other names: c.610T>A, p.Tyr204Asn (NM_001308094.2, NM_001374273.1); c.484T>A, p.Tyr162Asn (NM_001374274.1); c.1228T>A, p.Tyr410Asn (NM_002052.5); short protein forms Y204N, Y410N, Y162N, Y411N.
Identifiers: ClinVar variation 4709986 (VCV004709986.1).

ClinVar aggregate classification (germline): Uncertain significance (1 of 4 stars; one submission).

Conditions:
Atrioventricular septal defect 4 (AVSD4). Identifiers: MedGen C3280781, MONDO:0013747, OMIM 614430.

Submission:

Labcorp Genetics (formerly Invitae), Labcorp
Classification: Uncertain significance for Atrioventricular septal defect 4. Last evaluated: 2025-04-17. Review status: criteria provided, single submitter. Criteria: Invitae Variant Classification Sherloc (09022015). Collection method: clinical testing. Allele origin: germline.
Comment: This sequence change replaces tyrosine, which is neutral and polar, with asparagine, which is neutral and polar, at codon 410 of the GATA4 protein (p.Tyr410Asn). This variant is not present in population databases (gnomAD no frequency). This variant has not been reported in the literature in individuals affected with GATA4-related conditions. Invitae Evidence Modeling of protein sequence and biophysical properties (such as structural, functional, and spatial information, amino acid conservation, physicochemical variation, residue mobility, and thermodynamic stability) has been performed for this missense variant. However, the output from this modeling did not meet the statistical confidence thresholds required to predict the impact of this variant on GATA4 protein function. In summary, the available evidence is currently insufficient to determine the role of this variant in disease. Therefore, it has been classified as a Variant of Uncertain Significance.